The following is an entry in ClinVar:

ClinVar aggregate classification (germline): Uncertain significance (1 of 4 stars; one submission).

Conditions:
Xanthinuria type II. Also called: Xanthine dehydrogenase and aldehyde oxidase combined deficiency of; XDH and AOX dual deficiency. Identifiers: Orphanet 3467, Orphanet 93602, MedGen C1863688, MONDO:0011346, OMIM 603592.

Allele frequency attached by ClinVar (database versions not stated): gnomAD exomes 0.00002; ExAC 0.00004; gnomAD 0.00004; TOPMed 0.00006.
gnomAD v4.1: 38 of 1,614,024 alleles (0.0024%); highest among the groups gnomAD compares: Admixed American, 0.0033%; no homozygotes.

Submission:

Labcorp Genetics (formerly Invitae), Labcorp
Classification: Uncertain significance for Xanthinuria type II. Last evaluated: 2022-04-07. Review status: criteria provided, single submitter. Criteria: Invitae Variant Classification Sherloc (09022015). Collection method: clinical testing. Allele origin: germline.
Comment: This sequence change replaces serine, which is neutral and polar, with alanine, which is neutral and non-polar, at codon 725 of the XDH protein (p.Ser725Ala). This variant is present in population databases (rs772085586, gnomAD 0.007%). This variant has not been reported in the literature in individuals affected with XDH-related conditions. Algorithms developed to predict the effect of missense changes on protein structure and function output the following: SIFT: "Tolerated"; PolyPhen-2: "Benign"; Align-GVGD: "Class C0". The alanine amino acid residue is found in multiple mammalian species, which suggests that this missense change does not adversely affect protein function. In summary, the available evidence is currently insufficient to determine the role of this variant in disease. Therefore, it has been classified as a Variant of Uncertain Significance.

NM_000379.4(XDH):c.2173T>G (p.Ser725Ala)

Gene: XDH (xanthine dehydrogenase; minus strand). Cytogenetic location: 2p23.1.
Variant type: single nucleotide variant.
Coding change: c.2173T>G on transcript NM_000379.4 (MANE Select); coding-DNA position 2173, T replaced by G.
Protein change: p.Ser725Ala; replaces serine 725 with alanine.
Molecular consequence: missense variant.
Genome position (GRCh38, 1-based): chr2:31,367,985, A>C on the plus strand (T>G on the coding strand, the complement: XDH is on the minus strand). VCF-style: chr2-31367985-A-C. GRCh37 (hg19) VCF-style: chr2-31590851-A-C.
Other names: short protein forms S725A.
Identifiers: ClinVar variation 2199379 (VCV002199379.2), dbSNP rs772085586, ClinGen allele CA1598929.